The following is an entry in ClinVar:

ClinVar aggregate classification (germline): Benign/Likely benign. Review status: criteria provided, multiple submitters, no conflicts (2 of 4 stars). 3 submissions from 3 submitters: Benign (1); Likely benign (2). Last evaluated 2018-06-16.

Conditions:
Long QT syndrome 12 (LQT12). Identifiers: Orphanet 101016, Orphanet 768, MedGen C2751830, MONDO:0013062, OMIM 612955.

Allele frequency attached by ClinVar (database versions not stated): gnomAD 0.01822 and 0.01886; TOPMed 0.03129; 1000 Genomes Project 0.03934; 1000 Genomes Project 30x 0.04107.
gnomAD v4.1: 4,711 of 787,120 alleles (0.6%); highest among the groups gnomAD compares: Admixed American, 15%; 321 homozygotes.

Submissions (3):

GeneDx
Classification: Likely benign. Last evaluated: 2018-06-16. Review status: criteria provided, single submitter. Criteria: GeneDx Variant Classification (06012015). Collection method: clinical testing. Allele origin: germline. Affected: yes.
Comment: This variant is considered likely benign or benign based on one or more of the following criteria: it is a conservative change, it occurs at a poorly conserved position in the protein, it is predicted to be benign by multiple in silico algorithms, and/or has population frequency not consistent with disease.

Illumina Laboratory Services, Illumina
Classification: Benign for Long QT syndrome 12. Last evaluated: 2018-01-13. Review status: criteria provided, single submitter. Criteria: ICSL Variant Classification Criteria 13 December 2019. Collection method: clinical testing. Allele origin: germline.
Comment: This variant was observed in the ICSL laboratory as part of a predisposition screen in an ostensibly healthy population. It had not been previously curated by ICSL or reported in the Human Gene Mutation Database (HGMD: prior to June 1st, 2018), and was therefore a candidate for classification through an automated scoring system. Utilizing variant allele frequency, disease prevalence and penetrance estimates, and inheritance mode, an automated score was calculated to assess if this variant is too frequent to cause the disease. Based on the score and internal cut-off values, a variant classified as benign is not then subjected to further curation. The score for this variant resulted in a classification of benign for this disease.

Breakthrough Genomics
Classification: Likely benign. Review status: criteria provided, single submitter. Criteria: ACMG Guidelines, 2015. Collection method: not provided. Allele origin: germline. Inheritance: Autosomal dominant inheritance. Affected: yes.

NM_003098.3(SNTA1):c.-96G>A

Genes: SNTA1 (syntrophin alpha 1; minus strand), LOC130065680 (ATAC-STARR-seq lymphoblastoid silent region 12812; plus strand). Cytogenetic location: 20q11.21.
Variant type: single nucleotide variant.
Coding change: c.-96G>A on transcript NM_003098.3 (MANE Select); 96 bases upstream of the start codon, G replaced by A.
Molecular consequence: 5 prime UTR variant.
Genome position (GRCh38, 1-based): chr20:33,443,716, C>T on the plus strand (G>A on the coding strand, the complement: SNTA1 is on the minus strand). VCF-style: chr20-33443716-C-T. GRCh37 (hg19) VCF-style: chr20-32031522-C-T.
Identifiers: ClinVar variation 338223 (VCV000338223.8), dbSNP rs145471317, ClinGen allele CA10649623.